The following is an entry in ClinVar:

ClinVar aggregate classification (germline): Uncertain significance (1 of 4 stars; one submission).

Submission:

GeneDx
Classification: Uncertain significance. Last evaluated: 2020-09-30. Review status: criteria provided, single submitter. Criteria: GeneDx Variant Classification Process June 2021. Collection method: clinical testing. Allele origin: germline. Affected: yes.
Comment: Not observed in large population cohorts (Lek et al., 2016); In silico analysis supports that this missense variant does not alter protein structure/function; Has not been previously published as pathogenic or benign to our knowledge

NM_000744.7(CHRNA4):c.8T>G (p.Leu3Arg)

Genes: CHRNA4 (cholinergic receptor nicotinic alpha 4 subunit; minus strand), LOC100130587 (uncharacterized LOC100130587; plus strand). Cytogenetic location: 20q13.33.
Variant type: single nucleotide variant.
Coding change: c.8T>G on transcript NM_000744.7 (MANE Select); coding-DNA position 8, T replaced by G.
Protein change: p.Leu3Arg; replaces leucine 3 with arginine.
Molecular consequence: missense variant. On other transcripts: non-coding transcript variant (1), intron variant (1).
Genome position (GRCh38, 1-based): chr20:63,361,158, A>C on the plus strand (T>G on the coding strand, the complement: CHRNA4 is on the minus strand). VCF-style: chr20-63361158-A-C. GRCh37 (hg19) VCF-style: chr20-61992510-A-C.
Other names: c.-471+19T>G (NM_001256573.2); short protein forms L3R.
Identifiers: ClinVar variation 1196712 (VCV001196712.2), dbSNP rs2145412488, ClinGen allele CA409645050.